The following is an entry in ClinVar:

ClinVar aggregate classification (germline): Likely pathogenic (1 of 4 stars; one submission).

Conditions:
Coffin-Siris syndrome 1 (CSS1). Also called: Mental retardation, autosomal dominant 12; ARID1B-Related Coffin-Siris Syndrome. Identifiers: Orphanet 1465, MedGen C3281201, MONDO:0007617, OMIM 135900. Disease mechanism: gain of function.

Submission:

Undiagnosed Diseases Network, NIH
Classification: Likely pathogenic for Coffin-Siris syndrome 1. Last evaluated: 2017-10-30. Review status: criteria provided, single submitter. Criteria: ACMG Guidelines, 2015. Collection method: clinical testing. Allele origin: unknown. Inheritance: Autosomal dominant inheritance. Affected: yes. Observed: 1 variant allele, 1 heterozygote. Study: Undiagnosed Diseases Network (NIH), UDN.
Comment: ~5.75kb deletion in ARID1B encompassing exons 12-13 (NM_020732.3)

GRCh38/hg38 6q25.3(chr6:157179172-157184916)x1

Genes: ARID1B (AT-rich interaction domain 1B; plus strand), LOC123881345 (Sharpr-MPRA regulatory region 1838; plus strand). Cytogenetic location: 6q25.3.
Variant type: copy number loss.
Change: copy number 1 (one copy instead of two) of chr6:157,179,172-157,184,916 (5.7 kb, GRCh38 coordinates, 1-based), cytogenetic band 6q25.3.
Other names: arr[hg19]6q25.3(157,500,306-157,506,050)x1.
Identifiers: ClinVar variation 584448 (VCV000584448.3), ClinGen allele CA891842594.